The following is an entry in ClinVar:

ClinVar aggregate classification (germline): Conflicting classifications of pathogenicity. Review status: criteria provided, conflicting classifications (1 of 4 stars). 7 submissions from 7 submitters: Uncertain significance (5); Likely benign (2). Last evaluated 2026-06-02.

Conditions:
KIT-related disorder. Also called: KIT-related condition.
Hereditary cancer-predisposing syndrome. Also called: Neoplastic Syndromes, Hereditary; Tumor predisposition; Hereditary Cancer Syndrome; Hereditary neoplastic syndrome. Identifiers: Orphanet 140162, MedGen C0027672, MeSH D009386, MONDO:0015356.
Gastrointestinal stromal tumor. Also called: Gastrointestinal stroma tumor; Gastrointestinal stromal tumor, somatic. Identifiers: Orphanet 44890, MedGen C0238198, MeSH D046152, MONDO:0011719, OMIM 606764, HP:0100723.

Allele frequency attached by ClinVar (database versions not stated): gnomAD 0.00001 and 0.00002; gnomAD exomes 0.00001 and 0.00002; ExAC 0.00002; TOPMed 0.00002.
gnomAD v4.1: 36 of 1,591,560 alleles (0.0023%); highest among the groups gnomAD compares: Non-Finnish European, 0.0029%; no homozygotes.

Submissions (7):

Myriad Genetics, Inc.
Classification: Likely benign for Gastrointestinal stromal tumor. Last evaluated: 2026-06-02. Review status: criteria provided, single submitter. Criteria: Myriad Autosomal Dominant, Autosomal Recessive and X-Linked Classification Criteria (2023). Collection method: clinical testing. Allele origin: unknown.
Comment: This variant is considered likely benign. This variant has been observed at a population frequency that is significantly greater than expected given the associated disease prevalence and penetrance.

Labcorp Genetics (formerly Invitae), Labcorp
Classification: Uncertain significance for Gastrointestinal stromal tumor. Last evaluated: 2025-11-13. Review status: criteria provided, single submitter. Criteria: Invitae Variant Classification Sherloc (09022015). Collection method: clinical testing. Allele origin: germline.
Comment: This sequence change replaces histidine, which is basic and polar, with arginine, which is basic and polar, at codon 934 of the KIT protein (p.His934Arg). This variant is present in population databases (rs762406098, gnomAD 0.004%). This variant has not been reported in the literature in individuals affected with KIT-related conditions. ClinVar contains an entry for this variant (Variation ID: 409717). An algorithm developed to predict the effect of missense changes on protein structure and function (PolyPhen-2) suggests that this variant is likely to be tolerated. In summary, the available evidence is currently insufficient to determine the role of this variant in disease. Therefore, it has been classified as a Variant of Uncertain Significance.

PreventionGenetics, part of Exact Sciences
Classification: Uncertain significance for KIT-related condition. Last evaluated: 2025-10-24. Review status: criteria provided, single submitter. Criteria: ACMG Guidelines, 2015. Collection method: clinical testing. Allele origin: germline.
Comment: The KIT c.2801A>G variant is predicted to result in the amino acid substitution p.His934Arg. To our knowledge, this variant has not been reported in the literature. This variant is reported in 0.0018% of alleles in individuals of European (Non-Finnish) descent in gnomAD and has conflicting interpretations in ClinVar ranging from likely benign to uncertain (Variation ID: 409717). At this time, the clinical significance of this variant is uncertain due to the absence of conclusive functional and genetic evidence.

GeneDx
Classification: Uncertain significance. Last evaluated: 2025-03-10. Review status: criteria provided, single submitter. Criteria: GeneDx Variant Classification Process June 2021. Collection method: clinical testing. Allele origin: germline.
Comment: Not observed at significant frequency in large population cohorts (gnomAD); In silico analysis indicates that this missense variant does not alter protein structure/function; Has not been previously published as pathogenic or benign to our knowledge

Ambry Genetics
Classification: Likely benign for Hereditary cancer-predisposing syndrome. Last evaluated: 2025-01-14. Review status: criteria provided, single submitter. Criteria: Ambry Variant Classification Scheme 2023. Collection method: clinical testing. Allele origin: germline.

Baylor Genetics
Classification: Uncertain significance for Gastrointestinal stromal tumor. Last evaluated: 2023-12-14. Review status: criteria provided, single submitter. Criteria: ACMG Guidelines, 2015. Collection method: clinical testing. Allele origin: unknown.

Breakthrough Genomics
Classification: Uncertain significance. Review status: criteria provided, single submitter. Criteria: ACMG Guidelines, 2015. Collection method: not provided. Allele origin: germline. Inheritance: Autosomal dominant inheritance. Affected: yes.

NM_000222.3(KIT):c.2801A>G (p.His934Arg)

Gene: KIT (KIT proto-oncogene, receptor tyrosine kinase; plus strand). Cytogenetic location: 4q12.
Variant type: single nucleotide variant.
Coding change: c.2801A>G on transcript NM_000222.3 (MANE Select); coding-DNA position 2801, A replaced by G.
Protein change: p.His934Arg; replaces histidine 934 with arginine.
Molecular consequence: missense variant.
Genome position (GRCh38, 1-based): chr4:54,737,279, A>G. VCF-style: chr4-54737279-A-G. GRCh37 (hg19) VCF-style: chr4-55603445-A-G.
Other names: c.2789A>G, p.His930Arg (NM_001093772.2, NM_001385292.1); c.2804A>G, p.His935Arg (NM_001385284.1); c.2798A>G, p.His933Arg (NM_001385285.1); c.2786A>G, p.His929Arg (NM_001385286.1); c.2792A>G, p.His931Arg (NM_001385288.1); c.2801A>G, p.His934Arg (NM_001385290.1); short protein forms H934R, H930R, H929R, H931R, H933R, H935R.
Identifiers: ClinVar variation 409717 (VCV000409717.19), dbSNP rs762406098, ClinGen allele CA2923853.